The following is an entry in ClinVar:

ClinVar aggregate classification (germline): Uncertain significance (1 of 4 stars; one submission).

Conditions:
Microcephaly, normal intelligence and immunodeficiency (NBS). Also called: IMMUNODEFICIENCY, MICROCEPHALY, AND CHROMOSOMAL INSTABILITY; Immunodeficiency, microcephaly with normal intelligence; SEEMANOVA SYNDROME II; Ataxia telangiectasia variant V1; Microcephaly with normal intelligence immunodeficiency and lymphoreticular malignancies; Nonsyndromal microcephaly autosomal recessive with normal intelligence. Identifiers: Orphanet 647, MedGen C0398791, MONDO:0009623, OMIM 251260.

Submission:

Labcorp Genetics (formerly Invitae), Labcorp
Classification: Uncertain significance for Microcephaly, normal intelligence and immunodeficiency. Last evaluated: 2021-06-20. Review status: criteria provided, single submitter. Criteria: Invitae Variant Classification Sherloc (09022015). Collection method: clinical testing. Allele origin: germline.
Comment: This sequence change replaces proline with alanine at codon 64 of the NBN protein (p.Pro64Ala). The proline residue is weakly conserved and there is a small physicochemical difference between proline and alanine. This variant is not present in population databases (ExAC no frequency). This variant has not been reported in the literature in individuals with NBN-related conditions. Algorithms developed to predict the effect of missense changes on protein structure and function are either unavailable or do not agree on the potential impact of this missense change (SIFT: "Tolerated"; PolyPhen-2: "Possibly Damaging"; Align-GVGD: "Class C0"). In summary, the available evidence is currently insufficient to determine the role of this variant in disease. Therefore, it has been classified as a Variant of Uncertain Significance.

NM_002485.5(NBN):c.190C>G (p.Pro64Ala)

Gene: NBN (nibrin; minus strand). Cytogenetic location: 8q21.3.
Variant type: single nucleotide variant.
Coding change: c.190C>G on transcript NM_002485.5 (MANE Select); coding-DNA position 190, C replaced by G.
Protein change: p.Pro64Ala; replaces proline 64 with alanine.
Molecular consequence: missense variant. On other transcripts: 5 prime UTR variant (1).
Genome position (GRCh38, 1-based): chr8:89,981,505, G>C on the plus strand (C>G on the coding strand, the complement: NBN is on the minus strand). VCF-style: chr8-89981505-G-C. GRCh37 (hg19) VCF-style: chr8-90993733-G-C.
Other names: c.-57C>G (NM_001024688.3); short protein forms P64A.
Identifiers: ClinVar variation 1362731 (VCV001362731.8), dbSNP rs267602038, ClinGen allele CA371662603.